The following is an entry in ClinVar:

NM_001374736.1(DST):c.17029G>A (p.Ala5677Thr)

Gene: DST (dystonin; minus strand). Cytogenetic location: 6p12.1.
Variant type: single nucleotide variant.
Coding change: c.17029G>A on transcript NM_001374736.1 (MANE Select); coding-DNA position 17029, G replaced by A.
Protein change: p.Ala5677Thr; replaces alanine 5677 with threonine.
Molecular consequence: missense variant.
Genome position (GRCh38, 1-based): chr6:56,532,423, C>T on the plus strand (G>A on the coding strand, the complement: DST is on the minus strand). VCF-style: chr6-56532423-C-T. GRCh37 (hg19) VCF-style: chr6-56397221-C-T.
Other names: c.10672G>A, p.Ala3558Thr (NM_001144769.5); c.10258G>A, p.Ala3420Thr (NM_001144770.2); c.17029G>A, p.Ala5677Thr (NM_001374722.1); c.16396G>A, p.Ala5466Thr (NM_001374729.1); c.10138G>A, p.Ala3380Thr (NM_001374730.1, NM_001386100.1, NM_183380.4); c.17056G>A, p.Ala5686Thr (NM_001374734.1); c.9160G>A, p.Ala3054Thr (NM_015548.5); short protein forms A3380T, A3420T, A5466T, A3054T, A5686T, A3558T, A5677T.
Identifiers: ClinVar variation 2148560 (VCV002148560.2), dbSNP rs773291374, ClinGen allele CA3867539.

ClinVar aggregate classification (germline): Uncertain significance (1 of 4 stars; one submission).

Conditions:
Hereditary sensory and autonomic neuropathy type 6. Also called: Neuropathy, hereditary sensory and autonomic, type VI; HSAN VI. Identifiers: Orphanet 314381, MedGen C3539003, MONDO:0013839, OMIM 614653.
Epidermolysis bullosa simplex 3, localized or generalized intermediate, with BP230 deficiency (EBS3). Also called: Epidermolysis bullosa simplex due to BP230 deficiency; Epidermolysis bullosa simplex, autosomal recessive 2. Identifiers: Orphanet 412181, MedGen C3809470, MONDO:0014180, OMIM 615425.

Allele frequency attached by ClinVar (database versions not stated): ExAC 0.00001.
gnomAD v4.1: 11 of 1,613,402 alleles (0.00068%); highest among the groups gnomAD compares: East Asian, 0.0045%; no homozygotes.

Submission:

Labcorp Genetics (formerly Invitae), Labcorp
Classification: Uncertain significance for Epidermolysis bullosa simplex 3, localized or generalized intermediate, with BP230 deficiency; Hereditary sensory and autonomic neuropathy type 6. Last evaluated: 2022-07-13. Review status: criteria provided, single submitter. Criteria: Invitae Variant Classification Sherloc (09022015). Collection method: clinical testing. Allele origin: germline.
Comment: This variant has not been reported in the literature in individuals affected with DST-related conditions. The frequency data for this variant in the population databases is considered unreliable, as metrics indicate poor data quality at this position in the gnomAD database. This sequence change replaces alanine, which is neutral and non-polar, with threonine, which is neutral and polar, at codon 3054 of the DST protein (p.Ala3054Thr). The DST gene has multiple clinically relevant transcripts. This variant occurs in alternate transcript NM_015548.4, and corresponds to NM_001723.5:c.*83094G>A in the primary transcript. Experimental studies and prediction algorithms are not available or were not evaluated, and the functional significance of this variant is currently unknown. In summary, the available evidence is currently insufficient to determine the role of this variant in disease. Therefore, it has been classified as a Variant of Uncertain Significance.